The following is an entry in ClinVar:

ClinVar aggregate classification (germline): Uncertain significance (1 of 4 stars; one submission).

Submission:

Labcorp Genetics (formerly Invitae), Labcorp
Classification: Uncertain significance. Last evaluated: 2022-03-17. Review status: criteria provided, single submitter. Criteria: Invitae Variant Classification Sherloc (09022015). Collection method: clinical testing. Allele origin: germline.
Comment: In summary, the available evidence is currently insufficient to determine the role of this variant in disease. Therefore, it has been classified as a Variant of Uncertain Significance. Experimental studies and prediction algorithms are not available or were not evaluated, and the functional significance of this variant is currently unknown. This variant has not been reported in the literature in individuals affected with NIN-related conditions. This variant results in a copy number gain of the genomic region encompassing exon(s) 28-31 of the NIN gene. This region includes the termination codon of the gene. This copy number gain extends beyond the assayed region for this gene and therefore may encompass additional genes. As the precise location of this event is unknown, it may be in tandem or it may be located elsewhere in the genome.

NC_000014.8:g.(?_51190181)_(51202355_?)dup

Gene: NIN (ninein; minus strand). Cytogenetic location: 14q22.1.
Variant type: Duplication.
Identifiers: ClinVar variation 2426628 (VCV002426628.4).